The following is an entry in ClinVar:

NM_000465.4(BARD1):c.74C>T (p.Ala25Val)

Gene: BARD1 (BRCA1 associated RING domain 1; minus strand). Cytogenetic location: 2q35.
Variant type: single nucleotide variant.
Coding change: c.74C>T on transcript NM_000465.4 (MANE Select); coding-DNA position 74, C replaced by T.
Protein change: p.Ala25Val; replaces alanine 25 with valine.
Molecular consequence: missense variant. On other transcripts: non-coding transcript variant (3).
Genome position (GRCh38, 1-based): chr2:214,809,496, G>A on the plus strand (C>T on the coding strand, the complement: BARD1 is on the minus strand). VCF-style: chr2-214809496-G-A. GRCh37 (hg19) VCF-style: chr2-215674220-G-A.
Other names: c.74C>T, p.Ala25Val (NM_001282543.2, NM_001282545.2, NM_001282548.2 and 1 more transcripts); c.74C>T (NM_000465.2); short protein forms A25V.
Identifiers: ClinVar variation 938662 (VCV000938662.11), dbSNP rs764023867, ClinGen allele CA2090525.

ClinVar aggregate classification (germline): Uncertain significance. Review status: criteria provided, multiple submitters, no conflicts (2 of 4 stars). 2 submissions from 2 submitters: Uncertain significance (2). Last evaluated 2025-05-09.

Conditions:
Familial cancer of breast. Also called: BREAST CANCER, FAMILIAL; Hereditary breast cancer; hereditary breast carcinoma. Identifiers: Orphanet 227535, MedGen C0346153, MONDO:0016419, OMIM 114480. Disease mechanism: loss of function.
Hereditary cancer-predisposing syndrome. Also called: Tumor predisposition; Hereditary neoplastic syndrome; Hereditary Cancer Syndrome; Neoplastic Syndromes, Hereditary. Identifiers: Orphanet 140162, MedGen C0027672, MeSH D009386, MONDO:0015356.

Allele frequency attached by ClinVar (database versions not stated): gnomAD exomes below 0.00001; ExAC 0.00001.
gnomAD v4.1: 2 of 1,607,174 alleles (0.00012%); highest among the groups gnomAD compares: South Asian, 0.0011%; no homozygotes.

Submissions (2):

Ambry Genetics
Classification: Uncertain significance for Hereditary cancer-predisposing syndrome. Last evaluated: 2025-05-09. Review status: criteria provided, single submitter. Criteria: Ambry Variant Classification Scheme 2023. Collection method: clinical testing. Allele origin: germline.
Comment: The p.A25V variant (also known as c.74C>T), located in coding exon 1 of the BARD1 gene, results from a C to T substitution at nucleotide position 74. The alanine at codon 25 is replaced by valine, an amino acid with similar properties. This amino acid position is conserved. In addition, this alteration is predicted to be tolerated by in silico analysis. Based on the available evidence, the clinical significance of this variant remains unclear.

Labcorp Genetics (formerly Invitae), Labcorp
Classification: Uncertain significance for Familial cancer of breast. Last evaluated: 2023-06-14. Review status: criteria provided, single submitter. Criteria: Invitae Variant Classification Sherloc (09022015). Collection method: clinical testing. Allele origin: germline.
Comment: This sequence change replaces alanine, which is neutral and non-polar, with valine, which is neutral and non-polar, at codon 25 of the BARD1 protein (p.Ala25Val). The frequency data for this variant in the population databases is considered unreliable, as metrics indicate poor data quality at this position in the gnomAD database. This variant has not been reported in the literature in individuals affected with BARD1-related conditions. ClinVar contains an entry for this variant (Variation ID: 938662). An algorithm developed to predict the effect of missense changes on protein structure and function (PolyPhen-2) suggests that this variant is likely to be tolerated. In summary, the available evidence is currently insufficient to determine the role of this variant in disease. Therefore, it has been classified as a Variant of Uncertain Significance.